The following is an entry in ClinVar:

NM_001384732.1(CPLANE1):c.1241T>C (p.Ile414Thr)

Gene: CPLANE1 (ciliogenesis and planar polarity effector complex subunit 1; minus strand). Cytogenetic location: 5p13.2.
Variant type: single nucleotide variant.
Coding change: c.1241T>C on transcript NM_001384732.1 (MANE Select); coding-DNA position 1241, T replaced by C.
Protein change: p.Ile414Thr; replaces isoleucine 414 with threonine.
Molecular consequence: missense variant.
Genome position (GRCh38, 1-based): chr5:37,227,698, A>G on the plus strand (T>C on the coding strand, the complement: CPLANE1 is on the minus strand). VCF-style: chr5-37227698-A-G. GRCh37 (hg19) VCF-style: chr5-37227800-A-G.
Other names: c.1241T>C, p.Ile414Thr (NM_023073.4); short protein forms I414T.
Identifiers: ClinVar variation 1960137 (VCV001960137.5), dbSNP rs1796751713, ClinGen allele CA359505291.

ClinVar aggregate classification (germline): Uncertain significance (1 of 4 stars; one submission).

Allele frequency attached by ClinVar (database versions not stated): gnomAD exomes below 0.00001; TOPMed below 0.00001.
gnomAD v4.1: 2 of 1,551,528 alleles (0.00013%); highest among the groups gnomAD compares: Non-Finnish European, 0.00017%; no homozygotes.

Submission:

Labcorp Genetics (formerly Invitae), Labcorp
Classification: Uncertain significance. Last evaluated: 2022-03-29. Review status: criteria provided, single submitter. Criteria: Invitae Variant Classification Sherloc (09022015). Collection method: clinical testing. Allele origin: germline.
Comment: This sequence change replaces isoleucine, which is neutral and non-polar, with threonine, which is neutral and polar, at codon 414 of the CPLANE1 protein (p.Ile414Thr). This variant is not present in population databases (gnomAD no frequency). This variant has not been reported in the literature in individuals affected with CPLANE1-related conditions. Advanced modeling of protein sequence and biophysical properties (such as structural, functional, and spatial information, amino acid conservation, physicochemical variation, residue mobility, and thermodynamic stability) performed at Invitae indicates that this missense variant is not expected to disrupt CPLANE1 protein function. In summary, the available evidence is currently insufficient to determine the role of this variant in disease. Therefore, it has been classified as a Variant of Uncertain Significance.